The following is an entry in ClinVar:

ClinVar aggregate classification (germline): Benign (1 of 4 stars; one submission).

Allele frequency attached by ClinVar (database versions not stated): gnomAD exomes 0.67907; gnomAD 0.72922 and 0.72930; TOPMed 0.74743; 1000 Genomes Project 30x 0.79419; 1000 Genomes Project 0.79812.
gnomAD v4.1: 396,664 of 572,248 alleles (69%); highest among the groups gnomAD compares: African/African-American, 87%; 139,859 homozygotes.

Submission:

GeneDx
Classification: Benign. Last evaluated: 2018-06-14. Review status: criteria provided, single submitter. Criteria: GeneDx Variant Classification (06012015). Collection method: clinical testing. Allele origin: germline. Affected: yes.
Comment: This variant is considered likely benign or benign based on one or more of the following criteria: it is a conservative change, it occurs at a poorly conserved position in the protein, it is predicted to be benign by multiple in silico algorithms, and/or has population frequency not consistent with disease.

NM_032119.4(ADGRV1):c.9447+157G>A

Gene: ADGRV1 (adhesion G protein-coupled receptor V1; plus strand). Cytogenetic location: 5q14.3.
Variant type: single nucleotide variant.
Coding change: c.9447+157G>A on transcript NM_032119.4 (MANE Select); 157 bases into the intron after coding-DNA position 9447, G replaced by A.
Molecular consequence: intron variant.
Genome position (GRCh38, 1-based): chr5:90,716,886, G>A. VCF-style: chr5-90716886-G-A. GRCh37 (hg19) VCF-style: chr5-90012703-G-A.
Identifiers: ClinVar variation 678803 (VCV000678803.1), dbSNP rs3927265, ClinGen allele CA16234094.